The following is an entry in ClinVar:

ClinVar aggregate classification (germline): Uncertain significance (1 of 4 stars; one submission).

gnomAD v4.1: 1 of 1,614,028 alleles (0.000062%); highest among the groups gnomAD compares: Admixed American, 0.0017%; no homozygotes.

Submission:

CeGaT Center for Human Genetics Tuebingen
Classification: Uncertain significance. Last evaluated: 2026-06-01. Review status: criteria provided, single submitter. Criteria: CeGaT Center For Human Genetics Tuebingen Variant Classification Criteria Version 2. Collection method: clinical testing. Allele origin: germline. Affected: yes. Observed: 1 variant allele.
Comment: MEFV: PM2, BP4

NM_000243.3(MEFV):c.2284G>A (p.Asp762Asn)

Gene: MEFV (MEFV innate immunity regulator, pyrin; minus strand). Cytogenetic location: 16p13.3.
Variant type: single nucleotide variant.
Coding change: c.2284G>A on transcript NM_000243.3 (MANE Select); coding-DNA position 2284, G replaced by A.
Protein change: p.Asp762Asn; replaces aspartic acid 762 with asparagine.
Molecular consequence: missense variant. On other transcripts: 3 prime UTR variant (1).
Genome position (GRCh38, 1-based): chr16:3,243,203, C>T on the plus strand (G>A on the coding strand, the complement: MEFV is on the minus strand). VCF-style: chr16-3243203-C-T. GRCh37 (hg19) VCF-style: chr16-3293203-C-T.
Other names: c.*488G>A (NM_001198536.2); short protein forms D762N.
Identifiers: ClinVar variation 4873713 (VCV004873713.2).